The following is an entry in ClinVar:

NM_001142864.4(PIEZO1):c.5652A>G (p.Lys1884=)

Gene: PIEZO1 (piezo type mechanosensitive ion channel component 1 (Er blood group); minus strand). Cytogenetic location: 16q24.3.
Variant type: single nucleotide variant.
Coding change: c.5652A>G on transcript NM_001142864.4 (MANE Select); coding-DNA position 5652, A replaced by G.
Protein change: p.Lys1884=; no amino-acid change (lysine 1884 retained).
Molecular consequence: synonymous variant.
Genome position (GRCh38, 1-based): chr16:88,721,182, T>C on the plus strand (A>G on the coding strand, the complement: PIEZO1 is on the minus strand). VCF-style: chr16-88721182-T-C. GRCh37 (hg19) VCF-style: chr16-88787590-T-C.
Other names: c.4194A>G, p.Lys1398= (NM_014745.1).
Identifiers: ClinVar variation 2646991 (VCV002646991.24), dbSNP rs758971349, ClinGen allele CA497364953.

ClinVar aggregate classification (germline): Likely benign (1 of 4 stars; one submission).

Allele frequency attached by ClinVar (database versions not stated): gnomAD exomes below 0.00001.
gnomAD v4.1: 2 of 1,511,230 alleles (0.00013%); highest among the groups gnomAD compares: Non-Finnish European, 0.000088%; no homozygotes.

Submission:

CeGaT Center for Human Genetics Tuebingen
Classification: Likely benign. Last evaluated: 2022-04-01. Review status: criteria provided, single submitter. Criteria: CeGaT Center For Human Genetics Tuebingen Variant Classification Criteria Version 2. Collection method: clinical testing. Allele origin: germline. Affected: yes. Observed: 1 variant allele.
Comment: PIEZO1: PM2:Supporting, BP4, BP7